The following is an entry in ClinVar:

NM_005591.4(MRE11):c.1462C>G (p.Arg488Gly)

Gene: MRE11 (MRE11 double strand break repair nuclease; minus strand). Cytogenetic location: 11q21.
Variant type: single nucleotide variant.
Coding change: c.1462C>G on transcript NM_005591.4 (MANE Select); coding-DNA position 1462, C replaced by G.
Protein change: p.Arg488Gly; replaces arginine 488 with glycine.
Molecular consequence: missense variant.
Genome position (GRCh38, 1-based): chr11:94,459,446, G>C on the plus strand (C>G on the coding strand, the complement: MRE11 is on the minus strand). VCF-style: chr11-94459446-G-C. GRCh37 (hg19) VCF-style: chr11-94192612-G-C.
Other names: c.1462C>G, p.Arg488Gly (NM_001330347.2, NM_005590.4); short protein forms R488G.
Identifiers: ClinVar variation 187462 (VCV000187462.49), dbSNP rs375261439, ClinGen allele CA197710.

ClinVar aggregate classification (germline): Uncertain significance. Review status: criteria provided, multiple submitters, no conflicts (2 of 4 stars). 3 submissions from 3 submitters: Uncertain significance (3). Last evaluated 2024-02-28.

Conditions:
Ataxia-telangiectasia-like disorder (ATLD). Identifiers: MedGen C1858391, MONDO:0011457.
Hereditary cancer-predisposing syndrome. Also called: Neoplastic Syndromes, Hereditary; Tumor predisposition; Hereditary Cancer Syndrome; Hereditary neoplastic syndrome. Identifiers: Orphanet 140162, MedGen C0027672, MeSH D009386, MONDO:0015356.

gnomAD v4.1: 11 of 1,613,812 alleles (0.00068%); highest among the groups gnomAD compares: Non-Finnish European, 0.00085%; no homozygotes.

Submissions (3):

Ambry Genetics
Classification: Uncertain significance for Hereditary cancer-predisposing syndrome. Last evaluated: 2024-02-28. Review status: criteria provided, single submitter. Criteria: Ambry Variant Classification Scheme 2023. Collection method: clinical testing. Allele origin: germline.
Comment: The p.R488G variant (also known as c.1462C>G), located in coding exon 12 of the MRE11A gene, results from a C to G substitution at nucleotide position 1462. The arginine at codon 488 is replaced by glycine, an amino acid with dissimilar properties. This variant was reported in 1/60,466 breast cancer cases and in 0/53,461 controls (Dorling et al. N Engl J Med. 2021 02;384:428-439). This amino acid position is highly conserved in available vertebrate species. In addition, this alteration is predicted to be deleterious by in silico analysis. Since supporting evidence is limited at this time, the clinical significance of this alteration remains unclear.

Labcorp Genetics (formerly Invitae), Labcorp
Classification: Uncertain significance for Ataxia-telangiectasia-like disorder. Last evaluated: 2022-08-17. Review status: criteria provided, single submitter. Criteria: Invitae Variant Classification Sherloc (09022015). Collection method: clinical testing. Allele origin: germline.
Comment: This sequence change replaces arginine, which is basic and polar, with glycine, which is neutral and non-polar, at codon 488 of the MRE11 protein (p.Arg488Gly). This variant is present in population databases (rs375261439, gnomAD 0.0009%). This variant has not been reported in the literature in individuals affected with MRE11-related conditions. ClinVar contains an entry for this variant (Variation ID: 187462). Algorithms developed to predict the effect of missense changes on protein structure and function are either unavailable or do not agree on the potential impact of this missense change (SIFT: "Tolerated"; PolyPhen-2: "Possibly Damaging"; Align-GVGD: "Class C0"). In summary, the available evidence is currently insufficient to determine the role of this variant in disease. Therefore, it has been classified as a Variant of Uncertain Significance.

Athena Diagnostics
Classification: Uncertain significance. Last evaluated: 2017-04-20. Review status: criteria provided, single submitter. Criteria: Athena Diagnostics Criteria. Collection method: clinical testing. Allele origin: germline.

Literature cited by the submitters: PubMed 33471991 (cited by Ambry Genetics).